The following is an entry in ClinVar:

NM_001035.3(RYR2):c.5033G>A (p.Ser1678Asn)

Gene: RYR2 (ryanodine receptor 2; plus strand). Cytogenetic location: 1q43.
Variant type: single nucleotide variant.
Coding change: c.5033G>A on transcript NM_001035.3 (MANE Select); coding-DNA position 5033, G replaced by A.
Protein change: p.Ser1678Asn; replaces serine 1678 with asparagine.
Molecular consequence: missense variant.
Genome position (GRCh38, 1-based): chr1:237,614,161, G>A. VCF-style: chr1-237614161-G-A. GRCh37 (hg19) VCF-style: chr1-237777461-G-A.
Other names: c.5033G>A (NM_001035.2); short protein forms S1678N.
Identifiers: ClinVar variation 1010443 (VCV001010443.10), dbSNP rs1678207715, ClinGen allele CA345403869.

ClinVar aggregate classification (germline): Uncertain significance. Review status: criteria provided, multiple submitters, no conflicts (2 of 4 stars). 4 submissions from 4 submitters: Uncertain significance (4). Last evaluated 2025-07-14.

Conditions:
Catecholaminergic polymorphic ventricular tachycardia (CVPT). Also called: Catecholamine-induced polymorphic ventricular tachycardia. Identifiers: Orphanet 3286, MedGen C5574922, MONDO:0017990.
Cardiomyopathy (CMYO). Also called: Cardiomyopathies. Identifiers: Orphanet 167848, MedGen C0878544, MONDO:0004994, HP:0001638. Inheritance: Various modes of inheritance.
Catecholaminergic polymorphic ventricular tachycardia 1. Also called: VENTRICULAR TACHYCARDIA, STRESS-INDUCED POLYMORPHIC 1; VENTRICULAR TACHYCARDIA, CATECHOLAMINERGIC POLYMORPHIC, 1, WITH OR WITHOUT ATRIAL DYSFUNCTION AND/OR DILATED CARDIOMYOPATHY; RYR2-Related Catecholaminergic Polymorphic Ventricular Tachycardia. Identifiers: Orphanet 3286, MedGen C1631597, MONDO:0011484, OMIM 604772.

Allele frequency attached by ClinVar (database versions not stated): gnomAD exomes 0.00001.
gnomAD v4.1: 9 of 1,614,042 alleles (0.00056%); highest among the groups gnomAD compares: Non-Finnish European, 0.00076%; no homozygotes.

Submissions (4):

Color Diagnostics, LLC DBA Color Health
Classification: Uncertain significance for Cardiomyopathy. Last evaluated: 2025-07-14. Review status: criteria provided, single submitter. Criteria: ACMG Guidelines, 2015. Collection method: clinical testing. Allele origin: germline.
Comment: This missense variant replaces serine with asparagine at codon 1678 of the RYR2 protein. Computational prediction suggests that this variant may not impact protein structure and function. To our knowledge, functional studies have not been reported for this variant. This variant has not been reported in individuals affected with RYR2-related disorders in the literature. This variant has not been identified in the general population by the Genome Aggregation Database (gnomAD). The available evidence is insufficient to determine the role of this variant in disease conclusively. Therefore, this variant is classified as a Variant of Uncertain Significance.

GeneDx
Classification: Uncertain significance. Last evaluated: 2025-06-20. Review status: criteria provided, single submitter. Criteria: GeneDx Variant Classification Process June 2021. Collection method: clinical testing. Allele origin: germline. Affected: yes.
Comment: Not observed at significant frequency in large population cohorts (gnomAD); In silico analysis supports that this missense variant has a deleterious effect on protein structure/function; Has not been previously published as pathogenic or benign to our knowledge; Not located in one of the three hot-spot regions of the RYR2 gene, where the majority of pathogenic missense variants occur (PMID: 19926015); This variant is associated with the following publications: (PMID: 19926015)

All of Us Research Program, National Institutes of Health
Classification: Uncertain significance for Catecholaminergic polymorphic ventricular tachycardia. Last evaluated: 2023-06-26. Review status: criteria provided, single submitter. Criteria: ACMG Guidelines, 2015. Collection method: clinical testing. Allele origin: germline. Inheritance: Autosomal dominant inheritance. Observed: 1 variant allele, 1 heterozygote.
Comment: This missense variant replaces serine with asparagine at codon 1678 of the RYR2 protein. Computational prediction suggests that this variant may not impact protein structure and function (internally defined REVEL score threshold <= 0.5, PMID: 27666373). To our knowledge, functional studies have not been reported for this variant. This variant has not been reported in individuals affected with RYR2-related disorders in the literature. This variant has not been identified in the general population by the Genome Aggregation Database (gnomAD). The available evidence is insufficient to determine the role of this variant in disease conclusively. Therefore, this variant is classified as a Variant of Uncertain Significance.

This study involves interpretation of variants in research participants for the purpose of population health screening. Participant phenotype was not available at the time of variant classification. Additional details can be found in publication PMID: 35346344, PMCID: PMC8962531

Labcorp Genetics (formerly Invitae), Labcorp
Classification: Uncertain significance for Catecholaminergic polymorphic ventricular tachycardia 1. Last evaluated: 2021-08-27. Review status: criteria provided, single submitter. Criteria: Invitae Variant Classification Sherloc (09022015). Collection method: clinical testing. Allele origin: germline.
Comment: This sequence change replaces serine with asparagine at codon 1678 of the RYR2 protein (p.Ser1678Asn). The serine residue is highly conserved and there is a small physicochemical difference between serine and asparagine. This variant is not present in population databases (ExAC no frequency). This variant has not been reported in the literature in individuals affected with RYR2-related conditions. Algorithms developed to predict the effect of missense changes on protein structure and function (SIFT, PolyPhen-2, Align-GVGD) all suggest that this variant is likely to be disruptive. In summary, the available evidence is currently insufficient to determine the role of this variant in disease. Therefore, it has been classified as a Variant of Uncertain Significance.